The following is an entry in ClinVar:

ClinVar aggregate classification (germline): Uncertain significance (1 of 4 stars; one submission).

Conditions:
Familial cold autoinflammatory syndrome 2 (FCAS2). Identifiers: Orphanet 247868, MedGen C2673198, MONDO:0012724, OMIM 611762.

Allele frequency attached by ClinVar (database versions not stated): ExAC 0.00001.

Submission:

Labcorp Genetics (formerly Invitae), Labcorp
Classification: Uncertain significance for Familial cold autoinflammatory syndrome 2. Last evaluated: 2023-12-12. Review status: criteria provided, single submitter. Criteria: Invitae Variant Classification Sherloc (09022015). Collection method: clinical testing. Allele origin: germline.
Comment: This sequence change replaces aspartic acid, which is acidic and polar, with glutamic acid, which is acidic and polar, at codon 540 of the NLRP12 protein (p.Asp540Glu). This variant is present in population databases (rs753008165, gnomAD 0.0009%). This variant has not been reported in the literature in individuals affected with NLRP12-related conditions. Advanced modeling of protein sequence and biophysical properties (such as structural, functional, and spatial information, amino acid conservation, physicochemical variation, residue mobility, and thermodynamic stability) performed at Invitae indicates that this missense variant is not expected to disrupt NLRP12 protein function with a negative predictive value of 80%. In summary, the available evidence is currently insufficient to determine the role of this variant in disease. Therefore, it has been classified as a Variant of Uncertain Significance.

NM_144687.4(NLRP12):c.1620C>A (p.Asp540Glu)

Gene: NLRP12 (NLR family pyrin domain containing 12; minus strand). Cytogenetic location: 19q13.42.
Variant type: single nucleotide variant.
Coding change: c.1620C>A on transcript NM_144687.4 (MANE Select); coding-DNA position 1620, C replaced by A.
Protein change: p.Asp540Glu; replaces aspartic acid 540 with glutamic acid.
Molecular consequence: missense variant.
Genome position (GRCh38, 1-based): chr19:53,810,039, G>T on the plus strand (C>A on the coding strand, the complement: NLRP12 is on the minus strand). VCF-style: chr19-53810039-G-T. GRCh37 (hg19) VCF-style: chr19-54313293-G-T.
Other names: c.1620C>A, p.Asp540Glu (NM_001277126.2, NM_001277129.1); short protein forms D540E.
Identifiers: ClinVar variation 2880365 (VCV002880365.3), dbSNP rs753008165, ClinGen allele CA9639391.